The following is an entry in ClinVar:

ClinVar aggregate classification (germline): Uncertain significance. Review status: criteria provided, multiple submitters, no conflicts (2 of 4 stars). 8 submissions from 8 submitters: Uncertain significance (7). 1 of the submissions does not count toward it. Last evaluated 2026-01-27.

Conditions:
TH-deficient dopa-responsive dystonia. Also called: DYT-TH; Tyrosine Hydroxylase-Deficient Dopa-Responsive Dystonia; Segawa syndrome, autosomal recessive. Identifiers: Orphanet 101150, MedGen C2673535, MONDO:0011551, OMIM 605407.
Inborn genetic diseases. Identifiers: MedGen C0950123, MeSH D030342.

Allele frequency attached by ClinVar (database versions not stated): TOPMed 0.00007; gnomAD 0.00008 and 0.00010; gnomAD exomes 0.00008; ExAC 0.00006; ESP Exome Variant Server 0.00031.
gnomAD v4.1: 175 of 1,612,296 alleles (0.011%); highest among the groups gnomAD compares: Non-Finnish European, 0.014%; no homozygotes.

Submissions (8):

GeneDx
Classification: Uncertain significance. Last evaluated: 2026-01-27. Review status: criteria provided, single submitter. Criteria: GeneDx Variant Classification Process June 2021. Collection method: clinical testing. Allele origin: germline. Affected: yes.
Comment: In silico analysis suggests that this missense variant does not alter protein structure/function; Has not been previously published as pathogenic or benign to our knowledge

Mayo Clinic Laboratories, Mayo Clinic
Classification: Uncertain significance. Last evaluated: 2025-11-02. Review status: criteria provided, single submitter. Criteria: ACMG Guidelines, 2015. Collection method: clinical testing. Allele origin: germline. Observed: 1 variant allele.

Blueprint Genetics
Classification: Uncertain significance. Last evaluated: 2024-11-17. Review status: criteria provided, single submitter. Criteria: ACMG Guidelines, 2015. Collection method: clinical testing. Allele origin: germline.

Ambry Genetics
Classification: Uncertain significance for Inborn genetic diseases. Last evaluated: 2023-06-23. Review status: criteria provided, single submitter. Criteria: Ambry Variant Classification Scheme 2023. Collection method: clinical testing. Allele origin: germline.

Labcorp Genetics (formerly Invitae), Labcorp
Classification: Uncertain significance for TH-deficient dopa-responsive dystonia. Last evaluated: 2022-07-19. Review status: criteria provided, single submitter. Criteria: Invitae Variant Classification Sherloc (09022015). Collection method: clinical testing. Allele origin: germline.
Comment: This sequence change replaces valine, which is neutral and non-polar, with alanine, which is neutral and non-polar, at codon 182 of the TH protein (p.Val182Ala). This variant is present in population databases (rs147569564, gnomAD 0.02%). This variant has not been reported in the literature in individuals affected with TH-related conditions. ClinVar contains an entry for this variant (Variation ID: 526208). Advanced modeling of protein sequence and biophysical properties (such as structural, functional, and spatial information, amino acid conservation, physicochemical variation, residue mobility, and thermodynamic stability) performed at Invitae indicates that this missense variant is not expected to disrupt TH protein function. In summary, the available evidence is currently insufficient to determine the role of this variant in disease. Therefore, it has been classified as a Variant of Uncertain Significance.

Fulgent Genetics
Classification: Uncertain significance for TH-deficient dopa-responsive dystonia. Last evaluated: 2021-11-04. Review status: criteria provided, single submitter. Criteria: ACMG Guidelines, 2015. Collection method: clinical testing. Allele origin: unknown.

Knight Diagnostic Laboratories, Oregon Health and Sciences University
Classification: Uncertain significance for Segawa syndrome, autosomal recessive. Last evaluated: 2019-07-08. Review status: criteria provided, single submitter. Criteria: ACMG Guidelines, 2015. Collection method: clinical testing. Allele origin: germline. Observed: 1 variant allele.

Natera, Inc.
Classification: Uncertain significance for Autosomal recessive Segawa syndrome. Last evaluated: 2020-01-24. Review status: no assertion criteria provided. Collection method: clinical testing. Allele origin: germline. Not counted in ClinVar's aggregate classification.

NM_000360.4(TH):c.452T>C (p.Val151Ala)

Gene: TH (tyrosine hydroxylase; minus strand). Cytogenetic location: 11p15.5.
Variant type: single nucleotide variant.
Coding change: c.452T>C on transcript NM_000360.4 (MANE Select); coding-DNA position 452, T replaced by C.
Protein change: p.Val151Ala; replaces valine 151 with alanine.
Molecular consequence: missense variant.
Genome position (GRCh38, 1-based): chr11:2,168,526, A>G on the plus strand (T>C on the coding strand, the complement: TH is on the minus strand). VCF-style: chr11-2168526-A-G. GRCh37 (hg19) VCF-style: chr11-2189756-A-G.
Other names: p.Val182Ala; c.545T>C, p.Val182Ala (NM_199292.3); c.533T>C, p.Val178Ala (NM_199293.3); short protein forms V182A, V178A, V151A.
Identifiers: ClinVar variation 526208 (VCV000526208.15), dbSNP rs147569564, ClinGen allele CA5818661.